The following is an entry in ClinVar:

ClinVar aggregate classification (germline): Uncertain significance (1 of 4 stars; one submission).

Conditions:
Ehlers-Danlos syndrome, classic type, 1 (EDSCL1). Also called: EHLERS-DANLOS SYNDROME, GRAVIS TYPE; EHLERS-DANLOS SYNDROME, SEVERE CLASSIC TYPE; Ehlers-Danlos syndrome, type 1; Ehlers-Danlos Syndrome, Classic Type, COL5A1-Related; EDS I. Identifiers: MedGen C0268335, MONDO:0019567, OMIM 130000.

Submission:

Labcorp Genetics (formerly Invitae), Labcorp
Classification: Uncertain significance for Ehlers-Danlos syndrome, classic type, 1. Last evaluated: 2025-05-22. Review status: criteria provided, single submitter. Criteria: Invitae Variant Classification Sherloc (09022015). Collection method: clinical testing. Allele origin: germline.
Comment: This sequence change replaces alanine, which is neutral and non-polar, with valine, which is neutral and non-polar, at codon 1290 of the COL5A1 protein (p.Ala1290Val). This variant is not present in population databases (gnomAD no frequency). This variant has not been reported in the literature in individuals affected with COL5A1-related conditions. Invitae Evidence Modeling of protein sequence and biophysical properties (such as structural, functional, and spatial information, amino acid conservation, physicochemical variation, residue mobility, and thermodynamic stability) indicates that this missense variant is not expected to disrupt COL5A1 protein function with a negative predictive value of 95%. In summary, the available evidence is currently insufficient to determine the role of this variant in disease. Therefore, it has been classified as a Variant of Uncertain Significance.

NM_000093.5(COL5A1):c.3869C>T (p.Ala1290Val)

Gene: COL5A1 (collagen type V alpha 1 chain; plus strand). Cytogenetic location: 9q34.3.
Variant type: single nucleotide variant.
Coding change: c.3869C>T on transcript NM_000093.5 (MANE Select); coding-DNA position 3869, C replaced by T.
Protein change: p.Ala1290Val; replaces alanine 1290 with valine.
Molecular consequence: missense variant.
Genome position (GRCh38, 1-based): chr9:134,813,999, C>T. VCF-style: chr9-134813999-C-T. GRCh37 (hg19) VCF-style: chr9-137705845-C-T.
Other names: c.3869C>T, p.Ala1290Val (NM_001278074.1); short protein forms A1290V.
Identifiers: ClinVar variation 4797705 (VCV004797705.1).